The following is an entry in ClinVar:

ClinVar aggregate classification (germline): Conflicting classifications of pathogenicity. Review status: criteria provided, conflicting classifications (1 of 4 stars). 3 submissions from 3 submitters: Uncertain significance (1); Likely benign (1). 1 of the submissions does not count toward it. Last evaluated 2022-02-04.

Conditions:
Vitamin D-dependent rickets type II with alopecia (VDDR2A). Also called: HYPOCALCEMIC VITAMIN D-RESISTANT RICKETS; Vitamin D-dependent rickets, type 2A; PDDR IIA; PSEUDOVITAMIN D-DEFICIENCY, TYPE IIA; RICKETS, HEREDITARY VITAMIN D-RESISTANT; RICKETS-ALOPECIA SYNDROME. Identifiers: Orphanet 93160, MedGen C0342646, MONDO:0010186, OMIM 277440.
VDR-related disorder. Also called: VDR-related condition.

Allele frequency attached by ClinVar (database versions not stated): 1000 Genomes Project 30x 0.00297; 1000 Genomes Project 0.00319; gnomAD 0.00468 and 0.00517; TOPMed 0.00544.
gnomAD v4.1: 1,054 of 795,274 alleles (0.13%); highest among the groups gnomAD compares: African/African-American, 1.6%; 11 homozygotes.

Submissions (3):

GeneDx
Classification: Likely benign. Last evaluated: 2022-02-04. Review status: criteria provided, single submitter. Criteria: GeneDx Variant Classification Process June 2021. Collection method: clinical testing. Allele origin: germline. Affected: yes.
Comment: See Variant Classification Assertion Criteria.

Illumina Laboratory Services, Illumina
Classification: Uncertain significance for Vitamin D-dependent rickets type II with alopecia. Last evaluated: 2018-01-12. Review status: criteria provided, single submitter. Criteria: ICSL Variant Classification Criteria 13 December 2019. Collection method: clinical testing. Allele origin: germline.

PreventionGenetics, part of Exact Sciences
Classification: Benign for VDR-related condition. Last evaluated: 2019-04-01. Review status: no assertion criteria provided. Collection method: clinical testing. Allele origin: germline. Not counted in ClinVar's aggregate classification.
Comment: This variant is classified as benign based on ACMG/AMP sequence variant interpretation guidelines (Richards et al. 2015 PMID: 25741868, with internal and published modifications).

NM_000376.3(VDR):c.*184T>G

Gene: VDR (vitamin D receptor; minus strand). Cytogenetic location: 12q13.11.
Variant type: single nucleotide variant.
Coding change: c.*184T>G on transcript NM_000376.3 (MANE Select); 184 bases downstream of the stop codon, T replaced by G.
Molecular consequence: 3 prime UTR variant. On other transcripts: missense variant (1).
Genome position (GRCh38, 1-based): chr12:47,844,562, A>C on the plus strand (T>G on the coding strand, the complement: VDR is on the minus strand). VCF-style: chr12-47844562-A-C. GRCh37 (hg19) VCF-style: chr12-48238345-A-C.
Other names: c.*184T>G (NM_001017535.2, NM_001017536.2, NM_001374661.1 and 1 more transcripts); c.1468T>G, p.Phe490Val (NM_001364085.2); c.1468T>G (NM_001364085.1); short protein forms F490V.
Identifiers: ClinVar variation 308870 (VCV000308870.8), dbSNP rs11574116, ClinGen allele CA10632861.